The following is an entry in ClinVar:

NM_000252.3(MTM1):c.1369G>A (p.Glu457Lys)

Gene: MTM1 (myotubularin 1; plus strand). Cytogenetic location: Xq28.
Variant type: single nucleotide variant.
Coding change: c.1369G>A on transcript NM_000252.3 (MANE Select); coding-DNA position 1369, G replaced by A.
Protein change: p.Glu457Lys; replaces glutamic acid 457 with lysine.
Molecular consequence: missense variant.
Genome position (GRCh38, 1-based): chrX:150,660,386, G>A. VCF-style: chrX-150660386-G-A. GRCh37 (hg19) VCF-style: chrX-149828859-G-A.
Other names: c.1369G>A, p.Glu457Lys (NM_001376906.1, NM_001376908.1); c.1258G>A, p.Glu420Lys (NM_001376907.1); short protein forms E420K.
Identifiers: ClinVar variation 92672 (VCV000092672.10), dbSNP rs398123269, ClinGen allele CA220532.

ClinVar aggregate classification (germline): Uncertain significance. Review status: criteria provided, multiple submitters, no conflicts (2 of 4 stars). 3 submissions from 3 submitters: Uncertain significance (3). Last evaluated 2026-03-31.

Conditions:
Severe X-linked myotubular myopathy (CNMX). Also called: MYOTUBULAR MYOPATHY 1; Myotubular myopathy, X-linked; X-linked centronuclear myopathy. Identifiers: Orphanet 596, MedGen C0410203, MONDO:0010683, OMIM 310400.

Submissions (3):

GeneDx
Classification: Uncertain significance. Last evaluated: 2026-03-31. Review status: criteria provided, single submitter. Criteria: GeneDx Variant Classification Process June 2021. Collection method: clinical testing. Allele origin: germline.
Comment: Not observed at significant frequency in large population cohorts (gnomAD); In silico analysis supports that this missense variant has a deleterious effect on protein structure/function; Has not been previously published as pathogenic or benign to our knowledge

Labcorp Genetics (formerly Invitae), Labcorp
Classification: Uncertain significance for Severe X-linked myotubular myopathy. Last evaluated: 2023-10-16. Review status: criteria provided, single submitter. Criteria: Invitae Variant Classification Sherloc (09022015). Collection method: clinical testing. Allele origin: germline.
Comment: This sequence change replaces glutamic acid, which is acidic and polar, with lysine, which is basic and polar, at codon 457 of the MTM1 protein (p.Glu457Lys). This variant is not present in population databases (gnomAD no frequency). This missense change has been observed in individual(s) with clinical features of centronuclear myopathy (Invitae). ClinVar contains an entry for this variant (Variation ID: 92672). Advanced modeling of protein sequence and biophysical properties (such as structural, functional, and spatial information, amino acid conservation, physicochemical variation, residue mobility, and thermodynamic stability) performed at Invitae indicates that this missense variant is expected to disrupt MTM1 protein function. In summary, the available evidence is currently insufficient to determine the role of this variant in disease. Therefore, it has been classified as a Variant of Uncertain Significance.

Eurofins Ntd Llc (ga)
Classification: Uncertain significance. Last evaluated: 2012-10-24. Review status: criteria provided, single submitter. Criteria: EGL Classification Definitions 2015. Collection method: clinical testing. Allele origin: germline. Observed: 2 variant alleles, 1 heterozygote, 1 hemizygote.